The following is an entry in ClinVar:

NM_021971.4(GMPPB):c.434G>C (p.Gly145Ala)

Gene: GMPPB (GDP-mannose pyrophosphorylase B; minus strand). Cytogenetic location: 3p21.31.
Variant type: single nucleotide variant.
Coding change: c.434G>C on transcript NM_021971.4 (MANE Select); coding-DNA position 434, G replaced by C.
Protein change: p.Gly145Ala; replaces glycine 145 with alanine.
Molecular consequence: missense variant.
Genome position (GRCh38, 1-based): chr3:49,722,723, C>G on the plus strand (G>C on the coding strand, the complement: GMPPB is on the minus strand). VCF-style: chr3-49722723-C-G. GRCh37 (hg19) VCF-style: chr3-49760156-C-G.
Other names: c.434G>C, p.Gly145Ala (NM_013334.4); short protein forms G145A.
Identifiers: ClinVar variation 946082 (VCV000946082.7), dbSNP rs2080436965, ClinGen allele CA352828815.

ClinVar aggregate classification (germline): Uncertain significance (1 of 4 stars; one submission).

Conditions:
Muscular dystrophy-dystroglycanopathy (congenital with brain and eye anomalies), type A14. Also called: WALKER-WARBURG SYNDROME OR MUSCLE-EYE-BRAIN DISEASE, GMPPB-RELATED; Congenital Muscular Dystrophy-Dystroglycanopathy with Brain and Eye Anomalies Type A 14; Congenital muscular dystrophy-dystroglycanopathy with brain and eye anomalies, type A14; Muscular dystrophy-dystroglycanopathy (congenital with brain and eye anomalies), type a, 14. Identifiers: Orphanet 588, MedGen C3809216, MONDO:0014140, OMIM 615350.
Muscular dystrophy-dystroglycanopathy (congenital with impaired intellectual development), type B, 14. Also called: Muscular dystrophy-dystroglycanopathy (congenital with intellectual disability), type B14; MUSCULAR DYSTROPHY, CONGENITAL, GMPPB-RELATED; Congenital muscular dystrophy-dystroglycanopathy with mental retardation, type B14. Identifiers: MedGen C3809221, MONDO:0014141, OMIM 615351.
Autosomal recessive limb-girdle muscular dystrophy type 2T. Also called: MUSCULAR DYSTROPHY-DYSTROGLYCANOPATHY, LIMB-GIRDLE, GMPPB-RELATED; Limb-girdle muscular dystrophy-dystroglycanopathy, type C14; MUSCULAR DYSTROPHY, LIMB-GIRDLE, TYPE 2T; Muscular dystrophy-dystroglycanopathy (limb-girdle), type c, 14. Identifiers: Orphanet 363623, MedGen C4518000, MONDO:0014142, OMIM 615352.

Submission:

Labcorp Genetics (formerly Invitae), Labcorp
Classification: Uncertain significance for Autosomal recessive limb-girdle muscular dystrophy type 2T; Muscular dystrophy-dystroglycanopathy (congenital with brain and eye anomalies), type A14; Muscular dystrophy-dystroglycanopathy (congenital with impaired intellectual development), type B, 14. Last evaluated: 2019-05-30. Review status: criteria provided, single submitter. Criteria: Invitae Variant Classification Sherloc (09022015). Collection method: clinical testing. Allele origin: germline.
Comment: In summary, the available evidence is currently insufficient to determine the role of this variant in disease. Therefore, it has been classified as a Variant of Uncertain Significance. Algorithms developed to predict the effect of missense changes on protein structure and function (SIFT, PolyPhen-2, Align-GVGD) all suggest that this variant is likely to be disruptive, but these predictions have not been confirmed by published functional studies and their clinical significance is uncertain. This variant has not been reported in the literature in individuals with GMPPB-related conditions. This variant is not present in population databases (ExAC no frequency). This sequence change replaces glycine with alanine at codon 145 of the GMPPB protein (p.Gly145Ala). The glycine residue is highly conserved and there is a small physicochemical difference between glycine and alanine.